The following is an entry in ClinVar:

NM_000593.6(TAP1):c.1723C>T (p.Arg575Cys)

Gene: TAP1 (transporter 1, ATP binding cassette subfamily B member; minus strand). Cytogenetic location: 6p21.32.
Variant type: single nucleotide variant.
Coding change: c.1723C>T on transcript NM_000593.6 (MANE Select); coding-DNA position 1723, C replaced by T.
Protein change: p.Arg575Cys; replaces arginine 575 with cysteine.
Molecular consequence: missense variant.
Genome position (GRCh38, 1-based): chr6:32,847,936, G>A on the plus strand (C>T on the coding strand, the complement: TAP1 is on the minus strand). VCF-style: chr6-32847936-G-A. GRCh37 (hg19) VCF-style: chr6-32815713-G-A.
Other names: c.1120C>T, p.Arg374Cys (NM_001292022.2); short protein forms R635C, R374C, R575C.
Identifiers: ClinVar variation 581678 (VCV000581678.3), dbSNP rs1168560265, ClinGen allele CA363591374.

ClinVar aggregate classification (germline): Uncertain significance. Review status: criteria provided, multiple submitters, no conflicts (2 of 4 stars). 2 submissions from 2 submitters: Uncertain significance (2). Last evaluated 2022-01-10.

Conditions:
Inborn genetic diseases. Identifiers: MedGen C0950123, MeSH D030342.
MHC class I deficiency. Identifiers: Orphanet 34592, MedGen C6024714, MONDO:0011476.

Allele frequency attached by ClinVar (database versions not stated): gnomAD 0.00009 and 0.00008; TOPMed 0.00002.

Submissions (2):

Ambry Genetics
Classification: Uncertain significance for Inborn genetic diseases. Last evaluated: 2022-01-10. Review status: criteria provided, single submitter. Criteria: Ambry Variant Classification Scheme 2023. Collection method: clinical testing. Allele origin: germline.

Labcorp Genetics (formerly Invitae), Labcorp
Classification: Uncertain significance for Bare lymphocyte syndrome type 1. Last evaluated: 2018-06-13. Review status: criteria provided, single submitter. Criteria: Invitae Variant Classification Sherloc (09022015). Collection method: clinical testing. Allele origin: germline.
Comment: This sequence change replaces arginine with cysteine at codon 635 of the TAP1 protein (p.Arg635Cys). The arginine residue is moderately conserved and there is a large physicochemical difference between arginine and cysteine. This variant is not present in population databases (ExAC no frequency). This variant has not been reported in the literature in individuals with TAP1-related disease. Algorithms developed to predict the effect of missense changes on protein structure and function output the following: SIFT: "Tolerated"; PolyPhen-2: "Benign"; Align-GVGD: "Class C0". The cysteine amino acid residue is found in multiple mammalian species, suggesting that this missense change does not adversely affect protein function. These predictions have not been confirmed by published functional studies and their clinical significance is uncertain. In summary, the available evidence is currently insufficient to determine the role of this variant in disease. Therefore, it has been classified as a Variant of Uncertain Significance.